The following is an entry in ClinVar:

ClinVar aggregate classification (germline): Uncertain significance. Review status: criteria provided, multiple submitters, no conflicts (2 of 4 stars). 2 submissions from 2 submitters: Uncertain significance (2). Last evaluated 2025-11-16.

Conditions:
Glycogen storage disease IXd (GSD9D). Also called: GSD IXd; Muscle Phosphorylase Kinase Deficiency. Identifiers: Orphanet 715, MedGen C1845151, MONDO:0010362, OMIM 300559.
Inborn genetic diseases. Identifiers: MedGen C0950123, MeSH D030342.

gnomAD v4.1: 10 of 1,203,188 alleles (0.00083%); highest among the groups gnomAD compares: Non-Finnish European, 0.0011%; no homozygotes.

Submissions (2):

Labcorp Genetics (formerly Invitae), Labcorp
Classification: Uncertain significance for Glycogen storage disease IXd. Last evaluated: 2025-11-16. Review status: criteria provided, single submitter. Criteria: Invitae Variant Classification Sherloc (09022015). Collection method: clinical testing. Allele origin: germline.
Comment: This sequence change replaces isoleucine, which is neutral and non-polar, with methionine, which is neutral and non-polar, at codon 751 of the PHKA1 protein (p.Ile751Met). This variant is present in population databases (rs782819677, gnomAD 0.005%). This variant has not been reported in the literature in individuals affected with PHKA1-related conditions. ClinVar contains an entry for this variant (Variation ID: 3888343). Invitae Evidence Modeling of protein sequence and biophysical properties (such as structural, functional, and spatial information, amino acid conservation, physicochemical variation, residue mobility, and thermodynamic stability) indicates that this missense variant is not expected to disrupt PHKA1 protein function with a negative predictive value of 80%. In summary, the available evidence is currently insufficient to determine the role of this variant in disease. Therefore, it has been classified as a Variant of Uncertain Significance.

Ambry Genetics
Classification: Uncertain significance for Inborn genetic diseases. Last evaluated: 2025-01-26. Review status: criteria provided, single submitter. Criteria: Ambry Variant Classification Scheme 2023. Collection method: clinical testing. Allele origin: germline.

NM_002637.4(PHKA1):c.2253A>G (p.Ile751Met)

Gene: PHKA1 (phosphorylase kinase regulatory subunit alpha 1; minus strand). Cytogenetic location: Xq13.1.
Variant type: single nucleotide variant.
Coding change: c.2253A>G on transcript NM_002637.4 (MANE Select); coding-DNA position 2253, A replaced by G.
Protein change: p.Ile751Met; replaces isoleucine 751 with methionine.
Molecular consequence: missense variant.
Genome position (GRCh38, 1-based): chrX:72,618,826, T>C on the plus strand (A>G on the coding strand, the complement: PHKA1 is on the minus strand). VCF-style: chrX-72618826-T-C. GRCh37 (hg19) VCF-style: chrX-71838676-T-C.
Other names: c.2253A>G, p.Ile751Met (NM_001122670.2, NM_001431068.1); c.2076A>G, p.Ile692Met (NM_001172436.2); short protein forms I751M, I692M.
Identifiers: ClinVar variation 3888343 (VCV003888343.2).